The following is an entry in ClinVar:

NM_000135.4(FANCA):c.542_543delinsTC (p.Ala181Val)

Gene: FANCA (FA complementation group A; minus strand). Cytogenetic location: 16q24.3.
Variant type: Indel.
Coding change: c.542_543delinsTC on transcript NM_000135.4 (MANE Select); coding-DNA positions 542 to 543, CG replaced by TC.
Protein change: p.Ala181Val; replaces alanine 181 with valine.
Molecular consequence: missense variant.
Genome position (GRCh38, 1-based): chr16:89,808,347-89,808,348, CG replaced by GA on the plus strand (CG replaced by TC on the coding strand, the reverse complement: FANCA is on the minus strand). VCF-style: chr16-89808347-CG-GA. GRCh37 (hg19) VCF-style: chr16-89874755-CG-GA.
Other names: c.542_543delCGinsTC (LRG_495t1); c.542_543delinsTC, p.Ala181Val (NM_001018112.3, NM_001286167.3); c.446_447delinsTC, p.Ala149Val (NM_001351830.2); short protein forms A149V, A181V.
Identifiers: ClinVar variation 653737 (VCV000653737.8), dbSNP rs1598184528, ClinGen allele CA915949438.

ClinVar aggregate classification (germline): Uncertain significance (1 of 4 stars; one submission).

Conditions:
Fanconi anemia (FA). Also called: Fanconi's anemia. Identifiers: Orphanet 84, MedGen C0015625, MeSH D005199, MONDO:0019391.

Submission:

Labcorp Genetics (formerly Invitae), Labcorp
Classification: Uncertain significance for Fanconi anemia. Last evaluated: 2022-09-07. Review status: criteria provided, single submitter. Criteria: Invitae Variant Classification Sherloc (09022015). Collection method: clinical testing. Allele origin: germline.
Comment: In summary, the available evidence is currently insufficient to determine the role of this variant in disease. Therefore, it has been classified as a Variant of Uncertain Significance. Algorithms developed to predict the effect of sequence changes on RNA splicing suggest that this variant may create or strengthen a splice site. Algorithms developed to predict the effect of missense changes on protein structure and function output the following: SIFT: "Not Available"; PolyPhen-2: "Benign"; Align-GVGD: "Not Available". The valine amino acid residue is found in multiple mammalian species, which suggests that this missense change does not adversely affect protein function. ClinVar contains an entry for this variant (Variation ID: 653737). This variant has not been reported in the literature in individuals affected with FANCA-related conditions. The frequency data for this variant in the population databases is considered unreliable, as metrics indicate poor data quality at this position in the gnomAD database. This sequence change replaces alanine, which is neutral and non-polar, with valine, which is neutral and non-polar, at codon 181 of the FANCA protein (p.Ala181Val).